The following is an entry in ClinVar:

ClinVar aggregate classification (germline): Uncertain significance (1 of 4 stars; one submission).

Conditions:
GNAS-related disorder. Identifiers: MedGen CN380105.

Submission:

3billion
Classification: Uncertain significance for GNAS-related disorder. Last evaluated: 2026-01-14. Review status: criteria provided, single submitter. Criteria: ACMG Guidelines, 2015. Collection method: clinical testing. Allele origin: germline. Affected: yes.
Comment: The variant is not observed in the gnomAD v4.1.0 dataset. Predicted Consequence/Location: Missense variant In silico tool predictions suggest damaging effect of the variant on gene or gene product [REVEL: 0.99 (>=0.6, sensitivity 0.68 and specificity 0.92); 3Cnet: 1.00 (> 0.75, sensitivity 0.96 and precision 0.92)]. Different missense changes at the same codon (p.Gly52Asp, p.Gly52Ser) have been reported to be associated with GNAS-related disorder (ClinVar ID: VCV001679248 /PMID: 23884777). However the evidence of pathogenicity is insufficient at this time. Therefore, this variant is classified as VUS according to the recommendation of ACMG/AMP guideline.

Literature cited by the submitters: PubMed 23884777.

NM_000516.7(GNAS):c.155G>C (p.Gly52Ala)

Gene: GNAS (GNAS complex locus; plus strand). Cytogenetic location: 20q13.32.
Variant type: single nucleotide variant.
Coding change: c.155G>C on transcript NM_000516.7 (MANE Select); coding-DNA position 155, G replaced by C.
Protein change: p.Gly52Ala; replaces glycine 52 with alanine.
Molecular consequence: missense variant. On other transcripts: 3 prime UTR variant (3), 5 prime UTR variant (7), non-coding transcript variant (2).
Genome position (GRCh38, 1-based): chr20:58,895,627, G>C. VCF-style: chr20-58895627-G-C. GRCh37 (hg19) VCF-style: chr20-57470682-G-C.
Other names: c.155G>C, p.Gly52Ala (NM_001077488.5, NM_001077489.4, NM_001309842.2 and 1 more transcripts); c.*16G>C (NM_001077490.3); c.-23G>C (NM_001309840.2, NM_001309861.2, NM_001438273.1 and 4 more transcripts); c.*174G>C (NM_001309883.1); c.59G>C, p.Gly20Ala (NM_001410912.1); c.2084G>C, p.Gly695Ala (NM_001410913.1, NM_080425.4); c.*58G>C (NM_016592.5); short protein forms G20A, G52A, G695A.
Identifiers: ClinVar variation 4855095 (VCV004855095.1).